The following is an entry in ClinVar:

ClinVar aggregate classification (germline): Uncertain significance (1 of 4 stars; one submission).

Conditions:
Inborn genetic diseases. Identifiers: MedGen C0950123, MeSH D030342.

gnomAD v4.1: 1 of 1,606,142 alleles (0.000062%); highest among the groups gnomAD compares: Non-Finnish European, 0.000085%; no homozygotes.

Submission:

Ambry Genetics
Classification: Uncertain significance for Inborn genetic diseases. Last evaluated: 2025-05-17. Review status: criteria provided, single submitter. Criteria: Ambry Variant Classification Scheme 2023. Collection method: clinical testing. Allele origin: germline.
Comment: The p.Y131H variant (also known as c.391T>C), located in coding exon 3 of the MECOM gene, results from a T to C substitution at nucleotide position 391. The tyrosine at codon 131 is replaced by histidine, an amino acid with similar properties. This amino acid position is conserved. In addition, this alteration is predicted to be tolerated by in silico analysis. Based on the available evidence, the clinical significance of this variant remains unclear.

NM_004991.4(MECOM):c.391T>C (p.Tyr131His)

Gene: MECOM (MDS1 and EVI1 complex locus; minus strand). Cytogenetic location: 3q26.2.
Variant type: single nucleotide variant.
Coding change: c.391T>C on transcript NM_004991.4 (MANE Select); coding-DNA position 391, T replaced by C.
Protein change: p.Tyr131His; replaces tyrosine 131 with histidine.
Molecular consequence: missense variant. On other transcripts: 5 prime UTR variant (12).
Genome position (GRCh38, 1-based): chr3:169,143,817, A>G on the plus strand (T>C on the coding strand, the complement: MECOM is on the minus strand). VCF-style: chr3-169143817-A-G. GRCh37 (hg19) VCF-style: chr3-168861605-A-G.
Other names: c.19T>C, p.Tyr7His (NM_001105077.4); c.-174T>C (NM_001105078.4, NM_001163999.2, NM_001164000.2 and 9 more transcripts); c.391T>C, p.Tyr131His (NM_001366466.2, NM_001366473.2); short protein forms Y131H, Y7H.
Identifiers: ClinVar variation 4053256 (VCV004053256.1).